The following is an entry in ClinVar:

NM_001605.3(AARS1):c.817-4A>G

Gene: AARS1 (alanyl-tRNA synthetase 1; minus strand). Cytogenetic location: 16q22.1.
Variant type: single nucleotide variant.
Coding change: c.817-4A>G on transcript NM_001605.3 (MANE Select); 4 bases into the intron before coding-DNA position 817, A replaced by G.
Molecular consequence: intron variant.
Genome position (GRCh38, 1-based): chr16:70,269,767, T>C on the plus strand (A>G on the coding strand, the complement: AARS1 is on the minus strand). VCF-style: chr16-70269767-T-C. GRCh37 (hg19) VCF-style: chr16-70303670-T-C.
Identifiers: ClinVar variation 543252 (VCV000543252.13), dbSNP rs746210439, ClinGen allele CA8141022.
Genomic context (GRCh38, chr16:70,269,767, plus strand): 5'-AATCCCATCGGCATCCTCAGCACCAACTTTCCCAGTGTATGGTCGGGCACCTGTGCCCTA[T>C]AGATAAGAATCAGGAGGCAGCCCTTTAGGAAGCAGACTTTCTGGCGCTACCTTGCCCAAG-3'

ClinVar aggregate classification (germline): Conflicting classifications of pathogenicity. Review status: criteria provided, conflicting classifications (1 of 4 stars). 2 submissions from 2 submitters: Uncertain significance (1); Likely benign (1). Last evaluated 2025-11-17.

Conditions:
Inborn genetic diseases. Identifiers: MedGen C0950123, MeSH D030342.
Charcot-Marie-Tooth disease type 2. Also called: Charcot-Marie-Tooth type 2. Identifiers: Orphanet 64746, MedGen C0270914, MONDO:0018993.

Allele frequency attached by ClinVar (database versions not stated): gnomAD 0.00001; ExAC 0.00002; gnomAD exomes 0.00002; TOPMed 0.00002.
gnomAD v4.1: 29 of 1,613,982 alleles (0.0018%); highest among the groups gnomAD compares: East Asian, 0.0045%; no homozygotes.

Submissions (2):

Labcorp Genetics (formerly Invitae), Labcorp
Classification: Likely benign for Charcot-Marie-Tooth disease type 2. Last evaluated: 2025-11-17. Review status: criteria provided, single submitter. Criteria: Invitae Variant Classification Sherloc (09022015). Collection method: clinical testing. Allele origin: germline.

Ambry Genetics
Classification: Uncertain significance for Inborn genetic diseases. Last evaluated: 2021-10-19. Review status: criteria provided, single submitter. Criteria: Ambry Variant Classification Scheme 2023. Collection method: clinical testing. Allele origin: germline.
Comment: The c.817-4A>G intronic variant results from an A to G substitution 4 nucleotides upstream from coding exon 6 in the AARS gene. This nucleotide position is poorly conserved in available vertebrate species. In silico splice site analysis for this alteration is inconclusive. Since supporting evidence is limited at this time, the clinical significance of this alteration remains unclear.